The following is an entry in ClinVar:

ClinVar aggregate classification (germline): Likely benign (0 of 4 stars; one submission).

Conditions:
CASP14-related disorder. Also called: CASP14-related condition.

Allele frequency attached by ClinVar (database versions not stated): ExAC 0.00077; ESP Exome Variant Server 0.00146; gnomAD 0.00179; 1000 Genomes Project 0.00180; TOPMed 0.00181; 1000 Genomes Project 30x 0.00203.

Submission:

PreventionGenetics, part of Exact Sciences
Classification: Likely benign for CASP14-related condition. Last evaluated: 2020-02-17. Review status: no assertion criteria provided. Collection method: clinical testing. Allele origin: germline.
Comment: This variant is classified as likely benign based on ACMG/AMP sequence variant interpretation guidelines (Richards et al. 2015 PMID: 25741868, with internal and published modifications).

NM_012114.3(CASP14):c.-10C>T

Gene: CASP14 (caspase 14; plus strand). Cytogenetic location: 19p13.12.
Variant type: single nucleotide variant.
Coding change: c.-10C>T on transcript NM_012114.3 (MANE Select); 10 bases upstream of the start codon, C replaced by T.
Molecular consequence: 5 prime UTR variant.
Genome position (GRCh38, 1-based): chr19:15,052,242, C>T. VCF-style: chr19-15052242-C-T. GRCh37 (hg19) VCF-style: chr19-15163053-C-T.
Identifiers: ClinVar variation 3045450 (VCV003045450.2), dbSNP rs199721592, ClinGen allele CA9260563.